The following is an entry in ClinVar:

ClinVar aggregate classification (germline): Uncertain significance (1 of 4 stars; one submission).

Conditions:
TNXB-related disorder. Also called: TNXB-related condition.

Submission:

PreventionGenetics, part of Exact Sciences
Classification: Uncertain significance for TNXB-related condition. Last evaluated: 2026-05-27. Review status: criteria provided, single submitter. Criteria: ACMG Guidelines, 2015. Collection method: clinical testing. Allele origin: germline.
Comment: The TNXB c.797G>T variant is predicted to result in the amino acid substitution p.Cys266Phe. To our knowledge, this variant has not been reported in the literature or in a large population database (gnomAD), indicating this variant is rare. At this time, the clinical significance of this variant is uncertain due to the absence of conclusive functional and genetic evidence.

NM_001365276.2(TNXB):c.797G>T (p.Cys266Phe)

Gene: TNXB (tenascin XB; minus strand). Cytogenetic location: 6p21.33.
Variant type: single nucleotide variant.
Coding change: c.797G>T on transcript NM_001365276.2 (MANE Select); coding-DNA position 797, G replaced by T.
Protein change: p.Cys266Phe; replaces cysteine 266 with phenylalanine.
Molecular consequence: missense variant.
Genome position (GRCh38, 1-based): chr6:32,097,056, C>A on the plus strand (G>T on the coding strand, the complement: TNXB is on the minus strand). VCF-style: chr6-32097056-C-A. GRCh37 (hg19) VCF-style: chr6-32064833-C-A.
Other names: c.797G>T, p.Cys266Phe (NM_001428335.1, NM_019105.8); short protein forms C266F.
Identifiers: ClinVar variation 4993959 (VCV004993959.1).